The following is an entry in ClinVar:

ClinVar aggregate classification (germline): Uncertain significance (1 of 4 stars; one submission).

Allele frequency attached by ClinVar (database versions not stated): gnomAD exomes below 0.00001; TOPMed below 0.00001; gnomAD 0.00001.
gnomAD v4.1: 2 of 1,614,020 alleles (0.00012%); highest among the groups gnomAD compares: Non-Finnish European, 0.00017%; no homozygotes.

Submission:

GeneDx
Classification: Uncertain significance. Last evaluated: 2019-10-21. Review status: criteria provided, single submitter. Criteria: GeneDx Variant Classification Process June 2021. Collection method: clinical testing. Allele origin: germline. Affected: yes.
Comment: Not observed in large population cohorts (Lek et al., 2016); In silico analysis, which includes protein predictors and evolutionary conservation, supports that this variant does not alter protein structure/function; Has not been previously published as pathogenic or benign to our knowledge

NM_006245.4(PPP2R5D):c.254G>A (p.Arg85Gln)

Gene: PPP2R5D (protein phosphatase 2 regulatory subunit B'delta; plus strand). Cytogenetic location: 6p21.1.
Variant type: single nucleotide variant.
Coding change: c.254G>A on transcript NM_006245.4 (MANE Select); coding-DNA position 254, G replaced by A.
Protein change: p.Arg85Gln; replaces arginine 85 with glutamine.
Molecular consequence: missense variant. On other transcripts: 5 prime UTR variant (1), intron variant (2).
Genome position (GRCh38, 1-based): chr6:43,006,611, G>A. VCF-style: chr6-43006611-G-A. GRCh37 (hg19) VCF-style: chr6-42974349-G-A.
Other names: c.-200G>A (NM_001270476.2); c.249+5G>A (NM_180976.3); c.28-323G>A (NM_180977.3); short protein forms R85Q.
Identifiers: ClinVar variation 1309183 (VCV001309183.2), dbSNP rs1192439638, ClinGen allele CA364180429.
Genomic context (GRCh38, chr6:43,006,611, plus strand): 5'-CCCCCACGCAGCTCAGCAAAATCAAGTACTCAGGGGGGCCCCAGATTGTCAAGAAGGAGC[G>A]ACGGCAAAGCTCCTCCCGCTTCAACCTCAGCAAGAATCGGGAGCTGCAGAAGCTTCCTGC-3'
Protein context (NP_006236.1, residues 75-95): SGGPQIVKKE[Arg85Gln]RQSSSRFNLS